The following is an entry in ClinVar:

ClinVar aggregate classification (germline): Uncertain significance. Review status: criteria provided, multiple submitters, no conflicts (2 of 4 stars). 2 submissions from 2 submitters: Uncertain significance (2). Last evaluated 2025-04-19.

Conditions:
Inborn genetic diseases. Identifiers: MedGen C0950123, MeSH D030342.

Allele frequency attached by ClinVar (database versions not stated): gnomAD 0.00001; TOPMed 0.00002; ExAC 0.00003; 1000 Genomes Project 0.00020; 1000 Genomes Project 30x 0.00031; gnomAD exomes 0.00001.
gnomAD v4.1: 15 of 1,593,904 alleles (0.00094%); highest among the groups gnomAD compares: Admixed American, 0.0051%; no homozygotes.

Submissions (2):

Labcorp Genetics (formerly Invitae), Labcorp
Classification: Uncertain significance. Last evaluated: 2025-04-19. Review status: criteria provided, single submitter. Criteria: Invitae Variant Classification Sherloc (09022015). Collection method: clinical testing. Allele origin: germline.
Comment: This sequence change replaces proline, which is neutral and non-polar, with leucine, which is neutral and non-polar, at codon 916 of the DHX37 protein (p.Pro916Leu). This variant is present in population databases (rs202185570, gnomAD 0.009%). This variant has not been reported in the literature in individuals affected with DHX37-related conditions. ClinVar contains an entry for this variant (Variation ID: 3082270). Invitae Evidence Modeling of protein sequence and biophysical properties (such as structural, functional, and spatial information, amino acid conservation, physicochemical variation, residue mobility, and thermodynamic stability) indicates that this missense variant is not expected to disrupt DHX37 protein function with a negative predictive value of 80%. In summary, the available evidence is currently insufficient to determine the role of this variant in disease. Therefore, it has been classified as a Variant of Uncertain Significance.

Ambry Genetics
Classification: Uncertain significance for Inborn genetic diseases. Last evaluated: 2023-10-20. Review status: criteria provided, single submitter. Criteria: Ambry Variant Classification Scheme 2023. Collection method: clinical testing. Allele origin: germline.

NM_032656.4(DHX37):c.2747C>T (p.Pro916Leu)

Gene: DHX37 (DEAH-box helicase 37; minus strand). Cytogenetic location: 12q24.31.
Variant type: single nucleotide variant.
Coding change: c.2747C>T on transcript NM_032656.4 (MANE Select); coding-DNA position 2747, C replaced by T.
Protein change: p.Pro916Leu; replaces proline 916 with leucine.
Molecular consequence: missense variant.
Genome position (GRCh38, 1-based): chr12:124,952,519, G>A on the plus strand (C>T on the coding strand, the complement: DHX37 is on the minus strand). VCF-style: chr12-124952519-G-A. GRCh37 (hg19) VCF-style: chr12-125437065-G-A.
Other names: short protein forms P916L.
Identifiers: ClinVar variation 3082270 (VCV003082270.2), dbSNP rs202185570, ClinGen allele CA6871499.